The following is an entry in ClinVar:

ClinVar aggregate classification (germline): Uncertain significance. Review status: criteria provided, multiple submitters, no conflicts (2 of 4 stars). 2 submissions from 2 submitters: Uncertain significance (2). Last evaluated 2025-01-11.

Conditions:
Joubert syndrome. Also called: JOUBERT-BOLTSHAUSER SYNDROME; Familial aplasia of the vermis. Identifiers: Orphanet 475, MedGen C5979921, MONDO:0018772.
Orofaciodigital syndrome I (OFD1). Also called: OFDS I; Papillon-Leage and Psaume Syndrome; Oral-Facial-Digital Syndrome Type I. Identifiers: Orphanet 2750, MedGen C1510460, MONDO:0010702, OMIM 311200.
Primary ciliary dyskinesia. Also called: Ciliary dyskinesia. Identifiers: Orphanet 244, MedGen C0008780, MONDO:0016575, HP:0012265.

Submissions (2):

Labcorp Genetics (formerly Invitae), Labcorp
Classification: Uncertain significance for Orofaciodigital syndrome I; Joubert syndrome. Last evaluated: 2025-01-11. Review status: criteria provided, single submitter. Criteria: Invitae Variant Classification Sherloc (09022015). Collection method: clinical testing. Allele origin: germline.
Comment: This sequence change replaces arginine, which is basic and polar, with tryptophan, which is neutral and slightly polar, at codon 263 of the OFD1 protein (p.Arg263Trp). This variant is present in population databases (rs769920293, gnomAD 0.008%). This variant has not been reported in the literature in individuals affected with OFD1-related conditions. Invitae Evidence Modeling of protein sequence and biophysical properties (such as structural, functional, and spatial information, amino acid conservation, physicochemical variation, residue mobility, and thermodynamic stability) indicates that this missense variant is not expected to disrupt OFD1 protein function with a negative predictive value of 80%. Algorithms developed to predict the effect of sequence changes on RNA splicing suggest that this variant may disrupt the consensus splice site. In summary, the available evidence is currently insufficient to determine the role of this variant in disease. Therefore, it has been classified as a Variant of Uncertain Significance.

Ambry Genetics
Classification: Uncertain significance for Primary ciliary dyskinesia. Last evaluated: 2024-10-17. Review status: criteria provided, single submitter. Criteria: Ambry Variant Classification Scheme 2023. Collection method: clinical testing. Allele origin: germline.

NM_003611.3(OFD1):c.787C>T (p.Arg263Trp)

Gene: OFD1 (OFD1 centriole and centriolar satellite protein; plus strand). Cytogenetic location: Xp22.2.
Variant type: single nucleotide variant.
Coding change: c.787C>T on transcript NM_003611.3 (MANE Select); coding-DNA position 787, C replaced by T.
Protein change: p.Arg263Trp; replaces arginine 263 with tryptophan.
Molecular consequence: missense variant.
Genome position (GRCh38, 1-based): chrX:13,746,912, C>T. VCF-style: chrX-13746912-C-T. GRCh37 (hg19) VCF-style: chrX-13765031-C-T.
Other names: c.787C>T, p.Arg263Trp (NM_001330209.2); c.367C>T, p.Arg123Trp (NM_001330210.2); short protein forms R123W, R263W.
Identifiers: ClinVar variation 3409813 (VCV003409813.3).